The following is an entry in ClinVar:

NM_000152.5(GAA):c.2161G>C (p.Glu721Gln)

Gene: GAA (alpha glucosidase; plus strand). Cytogenetic location: 17q25.3.
Variant type: single nucleotide variant.
Coding change: c.2161G>C on transcript NM_000152.5 (MANE Select); coding-DNA position 2161, G replaced by C.
Protein change: p.Glu721Gln; replaces glutamic acid 721 with glutamine.
Molecular consequence: missense variant.
Genome position (GRCh38, 1-based): chr17:80,113,338, G>C. VCF-style: chr17-80113338-G-C. GRCh37 (hg19) VCF-style: chr17-78087137-G-C.
Other names: c.2161G>C (LRG_673t1); c.2161G>C, p.Glu721Gln (NM_001079803.3, NM_001079804.3); short protein forms E721Q.
Identifiers: ClinVar variation 284866 (VCV000284866.17), dbSNP rs140376273, ClinGen allele CA8815632.

ClinVar aggregate classification (germline): Uncertain significance. Review status: criteria provided, multiple submitters, no conflicts (2 of 4 stars). 7 submissions from 7 submitters: Uncertain significance (6). 1 of the submissions does not count toward it. Last evaluated 2026-07-01.

Conditions:
Glycogen storage disease, type II (IOPD). Also called: CARDIOMEGALIA GLYCOGENICA DIFFUSA; GLYCOGEN STORAGE DISEASE II, INFANTILE-ONSET; POMPE DISEASE, INFANTILE-ONSET; ACID ALPHA-GLUCOSIDASE DEFICIENCY, INFANTILE-ONSET; GAA DEFICIENCY, INFANTILE-ONSET; ACID MALTASE DEFICIENCY, INFANTILE-ONSET. Identifiers: Orphanet 365, MedGen C0017921, MONDO:0009290, OMIM 232300.

Allele frequency attached by ClinVar (database versions not stated): gnomAD exomes below 0.00001 and 0.00001; ExAC 0.00002; ESP Exome Variant Server 0.00008; TOPMed 0.00009; gnomAD 0.00010 and 0.00011.
gnomAD v4.1: 23 of 1,593,596 alleles (0.0014%); highest among the groups gnomAD compares: African/African-American, 0.028%; no homozygotes.

Submissions (7):

Genomenon, Inc
Classification: Uncertain significance for Glycogen storage disease, type II. Last evaluated: 2026-07-01. Review status: criteria provided, single submitter. Criteria: Genomenon Sequence Variant Interpretation Standards - Updated. Collection method: curation. Allele origin: germline. Affected: no.
Comment: GAA p.Glu721Gln (c.2161G>C) is a missense variant that changes the amino acid at codon 721 from Glutamic acid to Glutamine. This variant has been reported in the published literature (PMID:33073003;30281819). It is absent or not present at a significant frequency in gnomAD. In silico models predict that this variant is not damaging. In conclusion, we classify GAA p.Glu721Gln (c.2161G>C) as a variant of uncertain significance.

GeneDx
Classification: Uncertain significance. Last evaluated: 2025-10-09. Review status: criteria provided, single submitter. Criteria: GeneDx Variant Classification Process June 2021. Collection method: clinical testing. Allele origin: germline. Affected: yes.
Comment: Reported in an individual with infantile onset Pompe disease who harbored two additional GAA variants in unknown phase (PMID: 33073003); Not observed at significant frequency in large population cohorts (gnomAD); In silico analysis suggests that this missense variant does not alter protein structure/function; This variant is associated with the following publications: (PMID: 19343043, 22253258, 33073003)

Revvity Omics, Revvity
Classification: Uncertain significance. Last evaluated: 2023-03-30. Review status: criteria provided, single submitter. Criteria: ACMG Guidelines, 2015. Collection method: clinical testing. Allele origin: germline.

Labcorp Genetics (formerly Invitae), Labcorp
Classification: Uncertain significance for Glycogen storage disease, type II. Last evaluated: 2022-03-23. Review status: criteria provided, single submitter. Criteria: Invitae Variant Classification Sherloc (09022015). Collection method: clinical testing. Allele origin: germline.
Comment: This sequence change replaces glutamic acid, which is acidic and polar, with glutamine, which is neutral and polar, at codon 721 of the GAA protein (p.Glu721Gln). This variant is present in population databases (rs140376273, gnomAD 0.009%). This variant has not been reported in the literature in individuals affected with GAA-related conditions. ClinVar contains an entry for this variant (Variation ID: 284866). Advanced modeling of protein sequence and biophysical properties (such as structural, functional, and spatial information, amino acid conservation, physicochemical variation, residue mobility, and thermodynamic stability) performed at Invitae indicates that this missense variant is not expected to disrupt GAA protein function. In summary, the available evidence is currently insufficient to determine the role of this variant in disease. Therefore, it has been classified as a Variant of Uncertain Significance.

Genome-Nilou Lab
Classification: Uncertain significance for Glycogen storage disease, type II. Last evaluated: 2021-09-05. Review status: criteria provided, single submitter. Criteria: ACMG Guidelines, 2015. Collection method: clinical testing. Allele origin: germline. Affected: no.

Eurofins Ntd Llc (ga)
Classification: Uncertain significance. Last evaluated: 2015-11-25. Review status: criteria provided, single submitter. Criteria: EGL Classification Definitions 2015. Collection method: clinical testing. Allele origin: germline. Observed: 1 variant allele, 1 heterozygote.

Natera, Inc.
Classification: Uncertain significance for Glycogen storage disease type II. Last evaluated: 2021-03-24. Review status: no assertion criteria provided. Collection method: clinical testing. Allele origin: germline. Not counted in ClinVar's aggregate classification.

Literature cited by the submitters: PubMed 33073003 (cited by Genomenon, Inc); PubMed 30281819 (cited by Genomenon, Inc).